The following is an entry in ClinVar:

NM_001363711.2(DUOX2):c.4481C>A (p.Pro1494His)

Gene: DUOX2 (dual oxidase 2; minus strand). Cytogenetic location: 15q21.1.
Variant type: single nucleotide variant.
Coding change: c.4481C>A on transcript NM_001363711.2 (MANE Select); coding-DNA position 4481, C replaced by A.
Protein change: p.Pro1494His; replaces proline 1494 with histidine.
Molecular consequence: missense variant.
Genome position (GRCh38, 1-based): chr15:45,094,606, G>T on the plus strand (C>A on the coding strand, the complement: DUOX2 is on the minus strand). VCF-style: chr15-45094606-G-T. GRCh37 (hg19) VCF-style: chr15-45386804-G-T.
Other names: c.4481C>A, p.Pro1494His (NM_014080.5); c.4481C>A (NM_014080.4); short protein forms P1494H.
Identifiers: ClinVar variation 1388447 (VCV001388447.8), dbSNP rs576041718, ClinGen allele CA7537499.

ClinVar aggregate classification (germline): Uncertain significance. Review status: criteria provided, multiple submitters, no conflicts (2 of 4 stars). 2 submissions from 2 submitters: Uncertain significance (2). Last evaluated 2024-07-19.

Conditions:
Inborn genetic diseases. Identifiers: MedGen C0950123, MeSH D030342.

gnomAD v4.1: 39 of 1,614,104 alleles (0.0024%); highest among the groups gnomAD compares: Non-Finnish European, 0.003%; no homozygotes.

Submissions (2):

Labcorp Genetics (formerly Invitae), Labcorp
Classification: Uncertain significance. Last evaluated: 2024-07-19. Review status: criteria provided, single submitter. Criteria: Invitae Variant Classification Sherloc (09022015). Collection method: clinical testing. Allele origin: germline.
Comment: This sequence change replaces proline, which is neutral and non-polar, with histidine, which is basic and polar, at codon 1494 of the DUOX2 protein (p.Pro1494His). This variant is present in population databases (rs576041718, gnomAD 0.004%). This variant has not been reported in the literature in individuals affected with DUOX2-related conditions. ClinVar contains an entry for this variant (Variation ID: 1388447). Advanced modeling of protein sequence and biophysical properties (such as structural, functional, and spatial information, amino acid conservation, physicochemical variation, residue mobility, and thermodynamic stability) performed at Invitae indicates that this missense variant is not expected to disrupt DUOX2 protein function with a negative predictive value of 95%. In summary, the available evidence is currently insufficient to determine the role of this variant in disease. Therefore, it has been classified as a Variant of Uncertain Significance.

Ambry Genetics
Classification: Uncertain significance for Inborn genetic diseases. Last evaluated: 2022-04-28. Review status: criteria provided, single submitter. Criteria: Ambry Variant Classification Scheme 2023. Collection method: clinical testing. Allele origin: germline.